The following is an entry in ClinVar:

ClinVar aggregate classification (germline): Conflicting classifications of pathogenicity. Review status: criteria provided, conflicting classifications (1 of 4 stars). 4 submissions from 4 submitters: Uncertain significance (1); Likely benign (2). 1 of the submissions does not count toward it. Last evaluated 2025-08-24.

Conditions:
Gorlin syndrome. Also called: Nevoid Basal Cell Carcinoma Syndrome; Basal cell nevus syndrome. Identifiers: Orphanet 377, MedGen C0004779, MONDO:0007187.
PTCH2-related disorder. Also called: PTCH2-related condition; PTCH2-related disease.
Basal cell carcinoma, susceptibility to, 1. Also called: BCC1. Identifiers: MedGen C2751544, MONDO:0011556, OMIM 605462.
Medulloblastoma (MDB). Also called: MEDULLOBLASTOMA PREDISPOSITION SYNDROME; Medulloblastoma, somatic. Identifiers: Orphanet 616, MedGen C0025149, MeSH D008527, MONDO:0007959, OMIM 155255, HP:0002885.

Allele frequency attached by ClinVar (database versions not stated): gnomAD exomes 0.00009 and 0.00027; ExAC 0.00039; gnomAD 0.00096 and 0.00103; TOPMed 0.00113; ESP Exome Variant Server 0.00146; 1000 Genomes Project 30x 0.00172; 1000 Genomes Project 0.00200.
gnomAD v4.1: 287 of 1,614,184 alleles (0.018%); highest among the groups gnomAD compares: African/African-American, 0.29%; no homozygotes.

Submissions (4):

Ambry Genetics
Classification: Uncertain significance. Last evaluated: 2025-08-24. Review status: criteria provided, single submitter. Criteria: Ambry Variant Classification Scheme 2023. Collection method: clinical testing. Allele origin: germline.

Labcorp Genetics (formerly Invitae), Labcorp
Classification: Likely benign for Gorlin syndrome. Last evaluated: 2025-07-30. Review status: criteria provided, single submitter. Criteria: Invitae Variant Classification Sherloc (09022015). Collection method: clinical testing. Allele origin: germline.

Fulgent Genetics
Classification: Likely benign for Basal cell nevus syndrome 1; Medulloblastoma; Basal cell carcinoma, susceptibility to, 1. Last evaluated: 2021-09-27. Review status: criteria provided, single submitter. Criteria: ACMG Guidelines, 2015. Collection method: clinical testing. Allele origin: unknown.

PreventionGenetics, part of Exact Sciences
Classification: Likely benign for PTCH2-related condition. Last evaluated: 2022-09-08. Review status: no assertion criteria provided. Collection method: clinical testing. Allele origin: germline. Not counted in ClinVar's aggregate classification.
Comment: This variant is classified as likely benign based on ACMG/AMP sequence variant interpretation guidelines (Richards et al. 2015 PMID: 25741868, with internal and published modifications).

NM_003738.5(PTCH2):c.1994G>A (p.Arg665His)

Gene: PTCH2 (patched 2; minus strand). Cytogenetic location: 1p34.1.
Variant type: single nucleotide variant.
Coding change: c.1994G>A on transcript NM_003738.5 (MANE Select); coding-DNA position 1994, G replaced by A.
Protein change: p.Arg665His; replaces arginine 665 with histidine.
Molecular consequence: missense variant.
Genome position (GRCh38, 1-based): chr1:44,827,907, C>T on the plus strand (G>A on the coding strand, the complement: PTCH2 is on the minus strand). VCF-style: chr1-44827907-C-T. GRCh37 (hg19) VCF-style: chr1-45293579-C-T.
Other names: c.1994G>A, p.Arg665His (NM_001166292.2); short protein forms R665H.
Identifiers: ClinVar variation 696061 (VCV000696061.15), dbSNP rs138588008, ClinGen allele CA823136.